The following is an entry in ClinVar:

ClinVar aggregate classification (germline): Uncertain significance (1 of 4 stars; one submission).

Allele frequency attached by ClinVar (database versions not stated): ESP Exome Variant Server 0.00008; gnomAD exomes below 0.00001.
gnomAD v4.1: 1 of 1,610,072 alleles (0.000062%); highest among the groups gnomAD compares: Non-Finnish European, 0.000085%; no homozygotes.

Submission:

Women's Health and Genetics/Laboratory Corporation of America, LabCorp
Classification: Uncertain significance. Last evaluated: 2020-11-09. Review status: criteria provided, single submitter. Criteria: LabCorp Variant Classification Summary - May 2015. Collection method: clinical testing. Allele origin: germline.
Comment: Variant summary: SOS2 c.1895T>G (p.Phe632Cys) results in a non-conservative amino acid change located in the Ras-like guanine nucleotide exchange factor, N-terminal domain (IPR000651) of the encoded protein sequence. Five of five in-silico tools predict a damaging effect of the variant on protein function. The variant was absent in 248810 control chromosomes. The available data on variant occurrences in the general population are insufficient to allow any conclusion about variant significance. To our knowledge, no occurrence of c.1895T>G in individuals affected with Noonan Syndrome and no experimental evidence demonstrating its impact on protein function have been reported. No clinical diagnostic laboratories have submitted clinical-significance assessments for this variant to ClinVar after 2014. Based on the evidence outlined above, the variant was classified as uncertain significance.

NM_006939.4(SOS2):c.1895T>G (p.Phe632Cys)

Gene: SOS2 (SOS Ras/Rho guanine nucleotide exchange factor 2; minus strand). Cytogenetic location: 14q21.3.
Variant type: single nucleotide variant.
Coding change: c.1895T>G on transcript NM_006939.4 (MANE Select); coding-DNA position 1895, T replaced by G.
Protein change: p.Phe632Cys; replaces phenylalanine 632 with cysteine.
Molecular consequence: missense variant.
Genome position (GRCh38, 1-based): chr14:50,158,604, A>C on the plus strand (T>G on the coding strand, the complement: SOS2 is on the minus strand). VCF-style: chr14-50158604-A-C. GRCh37 (hg19) VCF-style: chr14-50625322-A-C.
Other names: short protein forms F632C.
Identifiers: ClinVar variation 987815 (VCV000987815.1), dbSNP rs373142212, ClinGen allele CA260735258.
Genomic context (GRCh38, chr14:50,158,604, plus strand): 5'-TGAAATACATATTTTTCTTACCGTTCAATCAGTAAGCTCAGCAATTCCTGTGGTTTACAA[A>C]ATGAACGATATGTGGTAAGAAAAGTACGAACAAAATTGGGATCTGAAAAGGCAGAGCATA-3'
Protein context (NP_008870.2, residues 622-642): VRTFLTTYRS[Phe632Cys]CKPQELLSLL